The following is an entry in ClinVar:

NM_003719.5(PDE8B):c.4G>A (p.Gly2Ser)

Gene: PDE8B (phosphodiesterase 8B; plus strand). Cytogenetic location: 5q13.3.
Variant type: single nucleotide variant.
Coding change: c.4G>A on transcript NM_003719.5 (MANE Select); coding-DNA position 4, G replaced by A.
Protein change: p.Gly2Ser; replaces glycine 2 with serine.
Molecular consequence: missense variant. On other transcripts: intron variant (14).
Genome position (GRCh38, 1-based): chr5:77,210,929, G>A. VCF-style: chr5-77210929-G-A. GRCh37 (hg19) VCF-style: chr5-76506754-G-A.
Other names: c.4G>A, p.Gly2Ser (NM_001349751.3, NM_001376063.1, NM_001376064.1 and 7 more transcripts); c.36+30443G>A (NM_001349750.3, NM_001376069.1, NM_001376062.1 and 7 more transcripts); c.-336-30G>A (NM_001349753.2); c.-34+883G>A (NM_001376067.1, NM_001376075.1); c.-31+883G>A (NM_001376068.1); short protein forms G2S.
Identifiers: ClinVar variation 1315609 (VCV001315609.2), dbSNP rs2149370583, ClinGen allele CA360326183.

ClinVar aggregate classification (germline): Uncertain significance (1 of 4 stars; one submission).

Submission:

GeneDx
Classification: Uncertain significance. Last evaluated: 2019-06-11. Review status: criteria provided, single submitter. Criteria: GeneDx Variant Classification Process June 2021. Collection method: clinical testing. Allele origin: germline. Affected: yes.
Comment: Not observed in large population cohorts (Lek et al., 2016); In silico analysis, which includes protein predictors and evolutionary conservation, supports a deleterious effect; Has not been previously published as pathogenic or benign to our knowledge